The following is an entry in ClinVar:

NM_000284.4(PDHA1):c.901_1004dup (p.Leu335_Lys336insThrValHisGluLysLysPheArgLysTer)

Gene: PDHA1 (pyruvate dehydrogenase E1 subunit alpha 1; plus strand). Cytogenetic location: Xp22.12.
Variant type: Duplication.
Coding change: c.901_1004dup on transcript NM_000284.4 (MANE Select); coding-DNA positions 901 to 1004, 104 bases duplicated.
Protein change: p.Leu335_Lys336insThrValHisGluLysLysPheArgLysTer.
Molecular consequence: nonsense, inframe insertion.
Genome position (GRCh38, 1-based): chrX:19,358,917-19,359,020, 104 bases duplicated. GRCh37 (hg19): chrX:19,377,035-19,377,138.
Other names: c.1015_1118dup, p.Leu373_Lys374insThrValHisGluLysLysPheArgLysTer (NM_001173454.2); c.922_1025dup, p.Leu342_Lys343insThrValHisGluLysLysPheArgLysTer (NM_001173455.2); c.808_911dup, p.Leu304_Lys305insThrValHisGluLysLysPheArgLysTer (NM_001173456.2).
Identifiers: ClinVar variation 4070396 (VCV004070396.1).

ClinVar aggregate classification (germline): Pathogenic (0 of 4 stars; one submission).

Conditions:
Pyruvate dehydrogenase E1-alpha deficiency (PDHAD). Also called: ATAXIA, INTERMITTENT, WITH PYRUVATE DEHYDROGENASE DEFICIENCY; ATAXIA WITH LACTIC ACIDOSIS I; ATAXIA, INTERMITTENT, WITH ABNORMAL PYRUVATE METABOLISM; Ataxia, intermittent, with pyruvate dehydrogenase, or decarboxylase, deficiency. Identifiers: Orphanet 79243, MedGen C1839413, MONDO:0010717, OMIM 312170.

Submission:

PDHA1 Study Group, University Children’s Hospital, Paracelsus Medical University
Classification: Pathogenic for Pyruvate dehydrogenase E1-alpha deficiency. Last evaluated: 2024-10-15. Review status: no assertion criteria provided. Collection method: research. Allele origin: germline. Affected: yes. Observed: 1 variant allele.
Comment: The NM_000284.3:c.901_1004dup (p.Lys336ThrfsTer10) change is a frameshift variant in PDHA1 gene. This variant is predicted to escape nonsense-mediated decay (NMD). The variant has been reported in 1 published case (PMIDs: 8771169). Last literature search: July 12, 2024. This variant is absent or extremely rare in population-based cohorts in the Genome Aggregation Database (gnomAD). Individuals harboring this variant presented with clinical features compatible with PDHA1-related PDHc deficiency. In summary, this variant meets criteria to be classified as pathogenic (P) for PDHA1-related PDHc deficiency based on the ACMG/AMP criteria applied: PVS1, PS3, PM2, PM7 (last assessment October 15, 2024).

Literature cited by the submitters: PubMed 8771169; DOI 10.1093/brain/awaf430.